The following is an entry in ClinVar:

NM_001367823.1(ARHGEF18):c.1603G>A (p.Val535Ile)

Gene: ARHGEF18 (Rho/Rac guanine nucleotide exchange factor 18; plus strand). Cytogenetic location: 19p13.2.
Variant type: single nucleotide variant.
Coding change: c.1603G>A on transcript NM_001367823.1 (MANE Select); coding-DNA position 1603, G replaced by A.
Protein change: p.Val535Ile; replaces valine 535 with isoleucine.
Molecular consequence: missense variant.
Genome position (GRCh38, 1-based): chr19:7,444,446, G>A. VCF-style: chr19-7444446-G-A. GRCh37 (hg19) VCF-style: chr19-7509332-G-A.
Other names: c.877G>A, p.Val293Ile (NM_001130955.2); c.565G>A, p.Val189Ile (NM_001367824.1, NM_015318.4); short protein forms V189I, V293I, V535I.
Identifiers: ClinVar variation 866260 (VCV000866260.14), dbSNP rs146702874, ClinGen allele CA9136509.

ClinVar aggregate classification (germline): Conflicting classifications of pathogenicity. Review status: criteria provided, conflicting classifications (1 of 4 stars). 4 submissions from 4 submitters: Uncertain significance (1); Likely benign (3). Last evaluated 2026-04-22.

Conditions:
ARHGEF18-related disorder. Also called: ARHGEF18-related condition.
Inborn genetic diseases. Identifiers: MedGen C0950123, MeSH D030342.

Allele frequency attached by ClinVar (database versions not stated): ESP Exome Variant Server 0.00023; gnomAD exomes 0.00023 and 0.00071; gnomAD 0.00030 and 0.00038; TOPMed 0.00036; ExAC 0.00074; 1000 Genomes Project 30x 0.00125; 1000 Genomes Project 0.00140.
gnomAD v4.1: 455 of 1,613,464 alleles (0.028%); highest among the groups gnomAD compares: East Asian, 0.36%; 2 homozygotes.

Submissions (4):

Ambry Genetics
Classification: Uncertain significance for Inborn genetic diseases. Last evaluated: 2026-04-22. Review status: criteria provided, single submitter. Criteria: Ambry Variant Classification Scheme 2023. Collection method: clinical testing. Allele origin: germline.

Labcorp Genetics (formerly Invitae), Labcorp
Classification: Likely benign. Last evaluated: 2026-01-01. Review status: criteria provided, single submitter. Criteria: Invitae Variant Classification Sherloc (09022015). Collection method: clinical testing. Allele origin: germline.

PreventionGenetics, part of Exact Sciences
Classification: Likely benign for ARHGEF18-related condition. Last evaluated: 2024-12-20. Review status: criteria provided, single submitter. Criteria: ACMG Guidelines, 2015. Collection method: clinical testing. Allele origin: germline.
Comment: This variant is classified as likely benign based on ACMG/AMP sequence variant interpretation guidelines (Richards et al. 2015 PMID: 25741868, with internal and published modifications).

Blueprint Genetics
Classification: Likely benign. Last evaluated: 2024-10-14. Review status: criteria provided, single submitter. Criteria: ACMG Guidelines, 2015. Collection method: clinical testing. Allele origin: germline.